The following is an entry in ClinVar:

NM_019109.5(ALG1):c.200G>T (p.Gly67Val)

Genes: ALG1 (ALG1 chitobiosyldiphosphodolichol beta-mannosyltransferase; plus strand), LOC130058384 (ATAC-STARR-seq lymphoblastoid active region 10349; plus strand). Cytogenetic location: 16p13.3.
Variant type: single nucleotide variant.
Coding change: c.200G>T on transcript NM_019109.5 (MANE Select); coding-DNA position 200, G replaced by T.
Protein change: p.Gly67Val; replaces glycine 67 with valine.
Molecular consequence: missense variant.
Genome position (GRCh38, 1-based): chr16:5,072,049, G>T. VCF-style: chr16-5072049-G-T. GRCh37 (hg19) VCF-style: chr16-5122050-G-T.
Other names: short protein forms G67V.
Identifiers: ClinVar variation 1374304 (VCV001374304.6), dbSNP rs778626972, ClinGen allele CA394678837.

ClinVar aggregate classification (germline): Uncertain significance. Review status: criteria provided, multiple submitters, no conflicts (2 of 4 stars). 2 submissions from 2 submitters: Uncertain significance (2). Last evaluated 2024-05-15.

Conditions:
ALG1-congenital disorder of glycosylation. Also called: ALG1-CDG; CONGENITAL DISORDER OF GLYCOSYLATION, TYPE Ik; CDG Ik. Identifiers: Orphanet 79327, MedGen C2931005, MONDO:0012052, OMIM 608540.

gnomAD v4.1: 3 of 1,578,110 alleles (0.00019%); highest among the groups gnomAD compares: Admixed American, 0.0018%; no homozygotes.

Submissions (2):

Labcorp Genetics (formerly Invitae), Labcorp
Classification: Uncertain significance for ALG1-congenital disorder of glycosylation. Last evaluated: 2024-05-15. Review status: criteria provided, single submitter. Criteria: Invitae Variant Classification Sherloc (09022015). Collection method: clinical testing. Allele origin: germline.
Comment: This sequence change replaces glycine, which is neutral and non-polar, with valine, which is neutral and non-polar, at codon 67 of the ALG1 protein (p.Gly67Val). The frequency data for this variant in the population databases is considered unreliable, as metrics indicate poor data quality at this position in the gnomAD database. This variant has not been reported in the literature in individuals affected with ALG1-related conditions. ClinVar contains an entry for this variant (Variation ID: 1374304). Advanced modeling of protein sequence and biophysical properties (such as structural, functional, and spatial information, amino acid conservation, physicochemical variation, residue mobility, and thermodynamic stability) performed at Invitae indicates that this missense variant is expected to disrupt ALG1 protein function with a positive predictive value of 95%. In summary, the available evidence is currently insufficient to determine the role of this variant in disease. Therefore, it has been classified as a Variant of Uncertain Significance.

Fulgent Genetics
Classification: Uncertain significance for ALG1-congenital disorder of glycosylation. Last evaluated: 2024-01-22. Review status: criteria provided, single submitter. Criteria: ACMG Guidelines, 2015. Collection method: clinical testing. Allele origin: germline.